The following is an entry in ClinVar:

ClinVar aggregate classification (germline): Conflicting classifications of pathogenicity. Review status: criteria provided, conflicting classifications (1 of 4 stars). 3 submissions from 3 submitters: Uncertain significance (1); Likely benign (2). Last evaluated 2022-07-04.

Conditions:
MHC class I deficiency. Identifiers: Orphanet 34592, MedGen C6024714, MONDO:0011476.

Allele frequency attached by ClinVar (database versions not stated): gnomAD exomes 0.00005; 1000 Genomes Project 30x 0.00016; ExAC 0.00017; 1000 Genomes Project 0.00020; gnomAD 0.00001; TOPMed 0.00003.
gnomAD v4.1: 80 of 1,612,952 alleles (0.005%); highest among the groups gnomAD compares: South Asian, 0.064%; 1 homozygote.

Submissions (3):

Blueprint Genetics
Classification: Likely benign. Last evaluated: 2022-07-04. Review status: criteria provided, single submitter. Criteria: ACMG Guidelines, 2015. Collection method: clinical testing. Allele origin: germline.

CeGaT Center for Human Genetics Tuebingen
Classification: Likely benign. Last evaluated: 2022-07-01. Review status: criteria provided, single submitter. Criteria: CeGaT Center For Human Genetics Tuebingen Variant Classification Criteria Version 2. Collection method: clinical testing. Allele origin: germline. Affected: yes. Observed: 1 variant allele.
Comment: TAP2: BP4

Labcorp Genetics (formerly Invitae), Labcorp
Classification: Uncertain significance for MHC class I deficiency 1. Last evaluated: 2022-04-04. Review status: criteria provided, single submitter. Criteria: Invitae Variant Classification Sherloc (09022015). Collection method: clinical testing. Allele origin: germline.
Comment: This sequence change replaces glutamine, which is neutral and polar, with arginine, which is basic and polar, at codon 397 of the TAP2 protein (p.Gln397Arg). This variant is present in population databases (rs569356622, gnomAD 0.09%). This variant has not been reported in the literature in individuals affected with TAP2-related conditions. Algorithms developed to predict the effect of missense changes on protein structure and function output the following: SIFT: "Tolerated"; PolyPhen-2: "Not Available"; Align-GVGD: "Class C0". The arginine amino acid residue is found in multiple mammalian species, which suggests that this missense change does not adversely affect protein function. In summary, the available evidence is currently insufficient to determine the role of this variant in disease. Therefore, it has been classified as a Variant of Uncertain Significance.

NM_001290043.2(TAP2):c.1190A>G (p.Gln397Arg)

Gene: TAP2 (transporter 2, ATP binding cassette subfamily B member; minus strand). Cytogenetic location: 6p21.32.
Variant type: single nucleotide variant.
Coding change: c.1190A>G on transcript NM_001290043.2 (MANE Select); coding-DNA position 1190, A replaced by G.
Protein change: p.Gln397Arg; replaces glutamine 397 with arginine.
Molecular consequence: missense variant.
Genome position (GRCh38, 1-based): chr6:32,832,415, T>C on the plus strand (A>G on the coding strand, the complement: TAP2 is on the minus strand). VCF-style: chr6-32832415-T-C. GRCh37 (hg19) VCF-style: chr6-32800192-T-C.
Other names: c.1190A>G, p.Gln397Arg (NM_000544.3, NM_018833.3); short protein forms Q397R.
Identifiers: ClinVar variation 2174842 (VCV002174842.26), dbSNP rs569356622, ClinGen allele CA3745970.